The following is an entry in ClinVar:

ClinVar aggregate classification (germline): Uncertain significance (1 of 4 stars; one submission).

Conditions:
Cardiovascular phenotype. Identifiers: MedGen CN230736.

gnomAD v4.1: 8 of 1,614,074 alleles (0.0005%); highest among the groups gnomAD compares: Non-Finnish European, 0.00059%; no homozygotes.

Submission:

Ambry Genetics
Classification: Uncertain significance for Cardiovascular phenotype. Last evaluated: 2026-04-20. Review status: criteria provided, single submitter. Criteria: Ambry Variant Classification Scheme 2023. Collection method: clinical testing. Allele origin: germline.
Comment: The p.R934S variant (also known as c.2802G>T), located in coding exon 16 of the SCN10A gene, results from a G to T substitution at nucleotide position 2802. The arginine at codon 934 is replaced by serine, an amino acid with dissimilar properties. This amino acid position is conserved. In addition, this alteration is predicted to be tolerated by in silico analysis. Based on the available evidence, the clinical significance of this variant remains unclear.

NM_006514.4(SCN10A):c.2802G>T (p.Arg934Ser)

Genes: SCN10A (sodium voltage-gated channel alpha subunit 10; minus strand), LOC110121288 (VISTA enhancer hs2268; plus strand). Cytogenetic location: 3p22.2.
Variant type: single nucleotide variant.
Coding change: c.2802G>T on transcript NM_006514.4 (MANE Select); coding-DNA position 2802, G replaced by T.
Protein change: p.Arg934Ser; replaces arginine 934 with serine.
Molecular consequence: missense variant.
Genome position (GRCh38, 1-based): chr3:38,726,891, C>A on the plus strand (G>T on the coding strand, the complement: SCN10A is on the minus strand). VCF-style: chr3-38726891-C-A. GRCh37 (hg19) VCF-style: chr3-38768382-C-A.
Other names: c.2802G>T, p.Arg934Ser (NM_001293306.2); c.2508G>T, p.Arg836Ser (NM_001293307.2); short protein forms R836S, R934S.
Identifiers: ClinVar variation 4864099 (VCV004864099.1).